The following is an entry in ClinVar:

NM_001197104.2(KMT2A):c.4696+6del

Gene: KMT2A (lysine methyltransferase 2A; plus strand). Cytogenetic location: 11q23.3.
Variant type: Deletion.
Coding change: c.4696+6del on transcript NM_001197104.2 (MANE Select); 6 bases into the intron after coding-DNA position 4696, one base deleted (C; older notation c.4696+6delC).
Molecular consequence: intron variant.
Genome position (GRCh38, 1-based): chr11:118,490,255, C deleted; the last of 3 consecutive C bases (chr11:118,490,253-118,490,255); deleting any one gives the same sequence. VCF-style (leftmost placement, unchanged base first): chr11-118490252-AC-A. GRCh37 (hg19) VCF-style: chr11-118360967-AC-A.
Other names: c.4795+6del (NM_001412597.1); c.4696+6del (NM_005933.4).
Identifiers: ClinVar variation 4702944 (VCV004702944.1).

ClinVar aggregate classification (germline): Uncertain significance (1 of 4 stars; one submission).

Submission:

Labcorp Genetics (formerly Invitae), Labcorp
Classification: Uncertain significance. Last evaluated: 2025-12-23. Review status: criteria provided, single submitter. Criteria: Invitae Variant Classification Sherloc (09022015). Collection method: clinical testing. Allele origin: germline.
Comment: This sequence change falls in intron 13 of the KMT2A gene. It does not directly change the encoded amino acid sequence of the KMT2A protein. It affects a nucleotide within the consensus splice site. This variant is not present in population databases (gnomAD no frequency). This variant has not been reported in the literature in individuals affected with KMT2A-related conditions. Variants that disrupt the consensus splice site are a relatively common cause of aberrant splicing (PMID: 17576681, 9536098). Algorithms developed to predict the effect of sequence changes on RNA splicing suggest that this variant is not likely to affect RNA splicing. In summary, the available evidence is currently insufficient to determine the role of this variant in disease. Therefore, it has been classified as a Variant of Uncertain Significance.

Literature cited by the submitters: PubMed 17576681; PubMed 9536098.